The following is an entry in ClinVar:

ClinVar aggregate classification (germline): Uncertain significance (1 of 4 stars; one submission).

Conditions:
Familial cancer of breast. Also called: hereditary breast carcinoma; BREAST CANCER, FAMILIAL; Hereditary breast cancer. Identifiers: Orphanet 227535, MedGen C0346153, MONDO:0016419, OMIM 114480. Disease mechanism: loss of function.

Submission:

Labcorp Genetics (formerly Invitae), Labcorp
Classification: Uncertain significance for Familial cancer of breast. Last evaluated: 2021-03-23. Review status: criteria provided, single submitter. Criteria: Invitae Variant Classification Sherloc (09022015). Collection method: clinical testing. Allele origin: germline.
Comment: This sequence change replaces aspartic acid with histidine at codon 776 of the BARD1 protein (p.Asp776His). The aspartic acid residue is moderately conserved and there is a moderate physicochemical difference between aspartic acid and histidine. This variant is not present in population databases (ExAC no frequency). This variant has not been reported in the literature in individuals with BARD1-related conditions. Algorithms developed to predict the effect of missense changes on protein structure and function are either unavailable or do not agree on the potential impact of this missense change (SIFT: "Tolerated"; PolyPhen-2: "Possibly Damaging"; Align-GVGD: "Class C0"). In summary, the available evidence is currently insufficient to determine the role of this variant in disease. Therefore, it has been classified as a Variant of Uncertain Significance.

NM_000465.4(BARD1):c.2326G>C (p.Asp776His)

Gene: BARD1 (BRCA1 associated RING domain 1; minus strand). Cytogenetic location: 2q35.
Variant type: single nucleotide variant.
Coding change: c.2326G>C on transcript NM_000465.4 (MANE Select); coding-DNA position 2326, G replaced by C.
Protein change: p.Asp776His; replaces aspartic acid 776 with histidine.
Molecular consequence: missense variant. On other transcripts: non-coding transcript variant (3).
Genome position (GRCh38, 1-based): chr2:214,728,684, C>G on the plus strand (G>C on the coding strand, the complement: BARD1 is on the minus strand). VCF-style: chr2-214728684-C-G. GRCh37 (hg19) VCF-style: chr2-215593408-C-G.
Other names: c.2269G>C, p.Asp757His (NM_001282543.2); c.973G>C, p.Asp325His (NM_001282545.2); c.916G>C, p.Asp306His (NM_001282548.2); c.787G>C, p.Asp263His (NM_001282549.2); short protein forms D263H, D325H, D757H, D776H, D306H.
Identifiers: ClinVar variation 1518744 (VCV001518744.9), dbSNP rs2105986105, ClinGen allele CA350449652.
Genomic context (GRCh38, chr2:214,728,684, plus strand): 5'-GGCTCTCACAAACCGTGCAAATTCAATTTGAAATGTTCATCTGGTATAATATTCAGCTGT[C>G]AAGAGGAAGCAACTCAAAGGACATCACACAGTCTATAAACCAGCTCGAAGGAGCCTTCCA-3'
Protein context (NP_000456.2, residues 766-777): CVMSFELLPL[Asp776His]S